The following is an entry in ClinVar:

NM_002292.4(LAMB2):c.1117G>A (p.Val373Met)

Gene: LAMB2 (laminin subunit beta 2; minus strand). Cytogenetic location: 3p21.31.
Variant type: single nucleotide variant.
Coding change: c.1117G>A on transcript NM_002292.4 (MANE Select); coding-DNA position 1117, G replaced by A.
Protein change: p.Val373Met; replaces valine 373 with methionine.
Molecular consequence: missense variant.
Genome position (GRCh38, 1-based): chr3:49,130,339, C>T on the plus strand (G>A on the coding strand, the complement: LAMB2 is on the minus strand). VCF-style: chr3-49130339-C-T. GRCh37 (hg19) VCF-style: chr3-49167772-C-T.
Other names: short protein forms V373M.
Identifiers: ClinVar variation 2000515 (VCV002000515.4), dbSNP rs2472553676, ClinGen allele CA352743353.

ClinVar aggregate classification (germline): Uncertain significance (1 of 4 stars; one submission).

Conditions:
Pierson syndrome. Also called: MICROCORIA-CONGENITAL NEPHROTIC SYNDROME. Identifiers: Orphanet 2670, MedGen C1836876, MONDO:0012184, OMIM 609049.
LAMB2-related infantile-onset nephrotic syndrome. Also called: Nephrotic Syndrome, type 5; NEPHROTIC SYNDROME, TYPE 5, WITHOUT OCULAR ABNORMALITIES; NEPHROTIC SYNDROME, TYPE 5, WITH OCULAR ABNORMALITIES. Identifiers: Orphanet 306507, MedGen C3280113, MONDO:0013621, OMIM 614199.

Allele frequency attached by ClinVar (database versions not stated): gnomAD exomes below 0.00001.
gnomAD v4.1: 3 of 1,614,188 alleles (0.00019%); highest among the groups gnomAD compares: Non-Finnish European, 0.00025%; no homozygotes.

Submission:

Labcorp Genetics (formerly Invitae), Labcorp
Classification: Uncertain significance for LAMB2-related infantile-onset nephrotic syndrome; Pierson syndrome. Last evaluated: 2022-11-08. Review status: criteria provided, single submitter. Criteria: Invitae Variant Classification Sherloc (09022015). Collection method: clinical testing. Allele origin: germline.
Comment: In summary, the available evidence is currently insufficient to determine the role of this variant in disease. Therefore, it has been classified as a Variant of Uncertain Significance. Algorithms developed to predict the effect of sequence changes on RNA splicing suggest that this variant may disrupt the consensus splice site. Algorithms developed to predict the effect of missense changes on protein structure and function are either unavailable or do not agree on the potential impact of this missense change (SIFT: "Deleterious"; PolyPhen-2: "Probably Damaging"; Align-GVGD: "Class C15"). This variant has not been reported in the literature in individuals affected with LAMB2-related conditions. This variant is not present in population databases (gnomAD no frequency). This sequence change replaces valine, which is neutral and non-polar, with methionine, which is neutral and non-polar, at codon 373 of the LAMB2 protein (p.Val373Met).